The following is an entry in ClinVar:

ClinVar aggregate classification (germline): Pathogenic (1 of 4 stars; one submission).

Conditions:
Duchenne muscular dystrophy (DMD). Also called: Duchenne Muscular Dystrophy (DMD); MUSCULAR DYSTROPHY, PSEUDOHYPERTROPHIC PROGRESSIVE, DUCHENNE TYPE. Identifiers: Orphanet 98896, MedGen C0013264, MONDO:0010679, OMIM 310200.

Submission:

Labcorp Genetics (formerly Invitae), Labcorp
Classification: Pathogenic for Duchenne muscular dystrophy. Last evaluated: 2021-09-27. Review status: criteria provided, single submitter. Criteria: Invitae Variant Classification Sherloc (09022015). Collection method: clinical testing. Allele origin: germline.
Comment: For these reasons, this variant has been classified as Pathogenic. This variant disrupts a region of the DMD protein in which other variant(s) (Deletion (Exon 48)) have been determined to be pathogenic (PMID: 2063877, 9007319, 25482253, 28247318). This suggests that this is a clinically significant region of the protein, and that variants that disrupt it are likely to be disease-causing. This variant has not been reported in the literature in individuals affected with DMD-related conditions. This variant results in the deletion of exons 46-50 and part of exon 45 (c.6577_7309+22859delinsGAAGCAG) of the DMD gene. It is expected to disrupt RNA splicing. Variants that disrupt the donor or acceptor splice site typically lead to a loss of protein function (PMID: 16199547), and loss-of-function variants in DMD are known to be pathogenic (PMID: 16770791, 25007885).

Literature cited by the submitters: PubMed 2063877; PubMed 9007319; PubMed 25482253; PubMed 28247318; PubMed 16199547; PubMed 16770791; PubMed 25007885.

NC_000023.10:g.(?_31815233)_(31986493_?)del

Gene: DMD (dystrophin; minus strand). Cytogenetic location: Xp21.1.
Variant type: Deletion.
Identifiers: ClinVar variation 1455899 (VCV001455899.5).